The following is an entry in ClinVar:

ClinVar aggregate classification (germline): Uncertain significance (1 of 4 stars; one submission).

Conditions:
Cardiovascular phenotype. Identifiers: MedGen CN230736.

Submission:

Ambry Genetics
Classification: Uncertain significance for Cardiovascular phenotype. Last evaluated: 2025-05-07. Review status: criteria provided, single submitter. Criteria: Ambry Variant Classification Scheme 2023. Collection method: clinical testing. Allele origin: germline.
Comment: The p.G221V variant (also known as c.662G>T), located in coding exon 6 of the SPRED1 gene, results from a G to T substitution at nucleotide position 662. The glycine at codon 221 is replaced by valine, an amino acid with dissimilar properties. This amino acid position is conserved. In addition, the in silico prediction for this alteration is inconclusive. Based on the available evidence, the clinical significance of this variant remains unclear.

NM_152594.3(SPRED1):c.662G>T (p.Gly221Val)

Gene: SPRED1 (sprouty related EVH1 domain containing 1; plus strand). Cytogenetic location: 15q14.
Variant type: single nucleotide variant.
Coding change: c.662G>T on transcript NM_152594.3 (MANE Select); coding-DNA position 662, G replaced by T.
Protein change: p.Gly221Val; replaces glycine 221 with valine.
Molecular consequence: missense variant.
Genome position (GRCh38, 1-based): chr15:38,349,501, G>T. VCF-style: chr15-38349501-G-T. GRCh37 (hg19) VCF-style: chr15-38641702-G-T.
Other names: short protein forms G221V.
Identifiers: ClinVar variation 3961388 (VCV003961388.1).
Genomic context (GRCh38, chr15:38,349,501, plus strand): 5'-GCTTGGACATTCAGAGCAGAAGTATGGAATACGTACAGCGGCAAATATCCAAGGAATGTG[G>T]AAGCCTAAAGTCCCAAAATAGGGTAAGTAATGTTAGTTTATCTTGTGATATGGAATTTAA-3'
Protein context (NP_689807.1, residues 211-231): YVQRQISKEC[Gly221Val]SLKSQNRVPL